The following is an entry in ClinVar:

NM_022168.4(IFIH1):c.1057G>A (p.Ala353Thr)

Gene: IFIH1 (interferon induced with helicase C domain 1; minus strand). Cytogenetic location: 2q24.2.
Variant type: single nucleotide variant.
Coding change: c.1057G>A on transcript NM_022168.4 (MANE Select); coding-DNA position 1057, G replaced by A.
Protein change: p.Ala353Thr; replaces alanine 353 with threonine.
Molecular consequence: missense variant.
Genome position (GRCh38, 1-based): chr2:162,288,173, C>T on the plus strand (G>A on the coding strand, the complement: IFIH1 is on the minus strand). VCF-style: chr2-162288173-C-T. GRCh37 (hg19) VCF-style: chr2-163144683-C-T.
Other names: short protein forms A353T.
Identifiers: ClinVar variation 1506681 (VCV001506681.8), dbSNP rs762847175, ClinGen allele CA59670682.

ClinVar aggregate classification (germline): Uncertain significance (1 of 4 stars; one submission).

Conditions:
Singleton-Merten syndrome 1 (SGMRT1). Also called: Widened medullary cavities of bone, aortic calcification, abnormal dentition, and muscular weakness; Syndrome of widened medullary cavities of the metacarpals and phalanges, aortic calcification and abnormal dentition. Identifiers: Orphanet 85191, MedGen C4225427, MONDO:0024535, OMIM 182250.
Aicardi-Goutieres syndrome 7 (AGS7). Identifiers: Orphanet 51, MedGen C3888244, MONDO:0014367, OMIM 615846.

Allele frequency attached by ClinVar (database versions not stated): gnomAD exomes below 0.00001; TOPMed below 0.00001.
gnomAD v4.1: 3 of 1,612,340 alleles (0.00019%); highest among the groups gnomAD compares: Non-Finnish European, 0.00025%; no homozygotes.

Submission:

Labcorp Genetics (formerly Invitae), Labcorp
Classification: Uncertain significance for Aicardi-Goutieres syndrome 7; Singleton-Merten syndrome 1. Last evaluated: 2025-08-06. Review status: criteria provided, single submitter. Criteria: Invitae Variant Classification Sherloc (09022015). Collection method: clinical testing. Allele origin: germline.
Comment: This sequence change replaces alanine, which is neutral and non-polar, with threonine, which is neutral and polar, at codon 353 of the IFIH1 protein (p.Ala353Thr). This variant is not present in population databases (gnomAD no frequency). This variant has not been reported in the literature in individuals affected with IFIH1-related conditions. ClinVar contains an entry for this variant (Variation ID: 1506681). An algorithm developed to predict the effect of missense changes on protein structure and function outputs the following: PolyPhen-2: "Benign". The threonine amino acid residue is found in multiple mammalian species, which suggests that this missense change does not adversely affect protein function. In summary, the available evidence is currently insufficient to determine the role of this variant in disease. Therefore, it has been classified as a Variant of Uncertain Significance.